The following is an entry in ClinVar:

ClinVar aggregate classification (germline): Uncertain significance. Review status: criteria provided, multiple submitters, no conflicts (2 of 4 stars). 2 submissions from 2 submitters: Uncertain significance (2). Last evaluated 2023-06-05.

Conditions:
Familial focal epilepsy with variable foci (FPEVF). Identifiers: Orphanet 98820, MedGen C1858477, MONDO:0020310.

Allele frequency attached by ClinVar (database versions not stated): ExAC 0.00001; gnomAD exomes 0.00001.
gnomAD v4.1: 5 of 1,607,200 alleles (0.00031%); highest among the groups gnomAD compares: Admixed American, 0.0017%; no homozygotes.

Submissions (2):

GeneDx
Classification: Uncertain significance. Last evaluated: 2023-06-05. Review status: criteria provided, single submitter. Criteria: GeneDx Variant Classification Process June 2021. Collection method: clinical testing. Allele origin: germline. Affected: yes.
Comment: Observed in one patient with epilepsy; however, no further clinical information was provided (Bagnall al., 2016); In silico analysis supports that this missense variant has a deleterious effect on protein structure/function; This variant is associated with the following publications: (PMID: 30093711, 26704558)

Labcorp Genetics (formerly Invitae), Labcorp
Classification: Uncertain significance for Familial focal epilepsy with variable foci. Last evaluated: 2022-04-15. Review status: criteria provided, single submitter. Criteria: Invitae Variant Classification Sherloc (09022015). Collection method: clinical testing. Allele origin: germline.
Comment: In summary, the available evidence is currently insufficient to determine the role of this variant in disease. Therefore, it has been classified as a Variant of Uncertain Significance. This sequence change replaces arginine, which is basic and polar, with histidine, which is basic and polar, at codon 347 of the DEPDC5 protein (p.Arg347His). The frequency data for this variant in the population databases is considered unreliable, as metrics indicate poor data quality at this position in the gnomAD database. This missense change has been observed in individual(s) with epilepsy (PMID: 26704558). ClinVar contains an entry for this variant (Variation ID: 1014196). Algorithms developed to predict the effect of missense changes on protein structure and function are either unavailable or do not agree on the potential impact of this missense change (SIFT: "Deleterious"; PolyPhen-2: "Not Available"; Align-GVGD: "Class C25").

Literature cited by the submitters: PubMed 26704558 (cited by Labcorp Genetics (formerly Invitae), Labcorp).

NM_001242896.3(DEPDC5):c.1040G>A (p.Arg347His)

Gene: DEPDC5 (DEP domain containing 5, GATOR1 subcomplex subunit; plus strand). Cytogenetic location: 22q12.3.
Variant type: single nucleotide variant.
Coding change: c.1040G>A on transcript NM_001242896.3 (MANE Select); coding-DNA position 1040, G replaced by A.
Protein change: p.Arg347His; replaces arginine 347 with histidine.
Molecular consequence: missense variant. On other transcripts: non-coding transcript variant (5).
Genome position (GRCh38, 1-based): chr22:31,802,797, G>A. VCF-style: chr22-31802797-G-A. GRCh37 (hg19) VCF-style: chr22-32198783-G-A.
Other names: c.1040G>A, p.Arg347His (NM_001007188.4, NM_001136029.4, NM_001242897.2 and 7 more transcripts); c.956G>A, p.Arg319His (NM_001369901.1, NM_001369902.1); c.1040G>A (NM_001242896.1); short protein forms R319H, R347H.
Identifiers: ClinVar variation 1014196 (VCV001014196.9), dbSNP rs760668998, ClinGen allele CA10196204.
Genomic context (GRCh38, chr22:31,802,797, plus strand): 5'-ACCGAACTGGGCAGATGTCAGTGGTGATCACGCCCGGGGTGGGTGTCTTTGAAGTGGACC[G>A]CCTACTCATGATCCTGACCAAGCAGCGGATGATAGATAATGGTAATGCTCTCTGGTTTGT-3'
Protein context (NP_001229825.1, residues 337-357): TPGVGVFEVD[Arg347His]LLMILTKQRM